The following is an entry in ClinVar:

ClinVar aggregate classification (germline): Pathogenic (1 of 4 stars; one submission).

gnomAD v4.1: 5 of 1,613,830 alleles (0.00031%); highest among the groups gnomAD compares: Admixed American, 0.0017%; no homozygotes.

Submission:

Labcorp Genetics (formerly Invitae), Labcorp
Classification: Pathogenic. Last evaluated: 2024-04-25. Review status: criteria provided, single submitter. Criteria: Invitae Variant Classification Sherloc (09022015). Collection method: clinical testing. Allele origin: germline.
Comment: This sequence change creates a premature translational stop signal (p.Arg1413*) in the HERC1 gene. It is expected to result in an absent or disrupted protein product. Loss-of-function variants in HERC1 are known to be pathogenic (PMID: 26138117, 26153217, 27108999). This variant is not present in population databases (gnomAD no frequency). This variant has not been reported in the literature in individuals affected with HERC1-related conditions. For these reasons, this variant has been classified as Pathogenic.

Literature cited by the submitters: PubMed 26138117; PubMed 26153217; PubMed 27108999.

NM_003922.4(HERC1):c.4237C>T (p.Arg1413Ter)

Gene: HERC1 (HECT and RLD domain containing E3 ubiquitin protein ligase family member 1; minus strand). Cytogenetic location: 15q22.31.
Variant type: single nucleotide variant.
Coding change: c.4237C>T on transcript NM_003922.4 (MANE Select); coding-DNA position 4237, C replaced by T.
Protein change: p.Arg1413Ter; replaces arginine 1413 with a stop codon.
Molecular consequence: nonsense.
Genome position (GRCh38, 1-based): chr15:63,713,579, G>A on the plus strand (C>T on the coding strand, the complement: HERC1 is on the minus strand). VCF-style: chr15-63713579-G-A. GRCh37 (hg19) VCF-style: chr15-64005778-G-A.
Other names: short protein forms R1413*.
Identifiers: ClinVar variation 3669889 (VCV003669889.2).